The following is an entry in ClinVar:

ClinVar aggregate classification (germline): Conflicting classifications of pathogenicity. Review status: criteria provided, conflicting classifications (1 of 4 stars). 3 submissions from 3 submitters: Uncertain significance (1); Likely benign (2). Last evaluated 2024-08-09.

Conditions:
Hereditary cancer-predisposing syndrome. Also called: Neoplastic Syndromes, Hereditary; Tumor predisposition; Hereditary neoplastic syndrome; Hereditary Cancer Syndrome. Identifiers: Orphanet 140162, MedGen C0027672, MeSH D009386, MONDO:0015356.
Hereditary breast ovarian cancer syndrome. Also called: BRCA1- and BRCA2-Associated Hereditary Breast and Ovarian Cancer; Hereditary breast and ovarian cancer; Hereditary breast and ovarian cancer syndrome; Hereditary breast and ovarian cancer syndrome (HBOC); Breast and ovarian cancer; Hereditary breast and/or ovarian cancer syndrome. Identifiers: Orphanet 145, MedGen C0677776, MeSH D061325, MONDO:0003582. Disease mechanism: loss of function.

Submissions (3):

ARUP Laboratories, Molecular Genetics and Genomics, ARUP Laboratories
Classification: Likely benign. Last evaluated: 2024-08-09. Review status: criteria provided, single submitter. Criteria: ARUP Molecular Germline Variant Investigation Process 2024. Collection method: clinical testing. Allele origin: germline.

Labcorp Genetics (formerly Invitae), Labcorp
Classification: Uncertain significance for Hereditary breast ovarian cancer syndrome. Last evaluated: 2023-07-07. Review status: criteria provided, single submitter. Criteria: Invitae Variant Classification Sherloc (09022015). Collection method: clinical testing. Allele origin: germline.
Comment: This variant is not present in population databases (gnomAD no frequency). This sequence change replaces aspartic acid, which is acidic and polar, with alanine, which is neutral and non-polar, at codon 1513 of the BRCA2 protein (p.Asp1513Ala). This variant has not been reported in the literature in individuals affected with BRCA2-related conditions. ClinVar contains an entry for this variant (Variation ID: 1356638). Advanced modeling of protein sequence and biophysical properties (such as structural, functional, and spatial information, amino acid conservation, physicochemical variation, residue mobility, and thermodynamic stability) performed at Invitae indicates that this missense variant is not expected to disrupt BRCA2 protein function. In summary, the available evidence is currently insufficient to determine the role of this variant in disease. Therefore, it has been classified as a Variant of Uncertain Significance.

University of Washington Department of Laboratory Medicine, University of Washington
Classification: Likely benign for Hereditary cancer-predisposing syndrome. Last evaluated: 2023-03-23. Review status: criteria provided, single submitter. Criteria: Dines et al. (Genet Med. 2020). Collection method: curation. Allele origin: germline.
Comment: Missense variant in a coldspot region where missense variants are very unlikely to be pathogenic (PMID:31911673).

BRCA2 exon 11 coldspot. Reclassification based on statistical prior probability.

NM_000059.4(BRCA2):c.4538A>C (p.Asp1513Ala)

Gene: BRCA2 (BRCA2 DNA repair associated; plus strand). Cytogenetic location: 13q13.1.
Variant type: single nucleotide variant.
Coding change: c.4538A>C on transcript NM_000059.4 (MANE Select); coding-DNA position 4538, A replaced by C.
Protein change: p.Asp1513Ala; replaces aspartic acid 1513 with alanine.
Molecular consequence: missense variant.
Genome position (GRCh38, 1-based): chr13:32,338,893, A>C. VCF-style: chr13-32338893-A-C. GRCh37 (hg19) VCF-style: chr13-32913030-A-C.
Other names: short protein forms D1513A.
Identifiers: ClinVar variation 1356638 (VCV001356638.10), dbSNP rs1566230577, ClinGen allele CA387781730.
Genomic context (GRCh38, chr13:32,338,893, plus strand): 5'-AAAGTGTCCCAGTTGGTACTGGAAATCAACTAGTGACCTTCCAGGGACAACCCGAACGTG[A>C]TGAAAAGATCAAAGAACCTACTCTATTGGGTTTTCATACAGCTAGCGGGAAAAAAGTTAA-3'
Protein context (NP_000050.3, residues 1503-1523): LVTFQGQPER[Asp1513Ala]EKIKEPTLLG